The following is an entry in ClinVar:

NM_000179.3(MSH6):c.362del (p.Arg121fs)

Gene: MSH6 (mutS homolog 6; plus strand). Cytogenetic location: 2p16.3.
Variant type: Deletion.
Coding change: c.362del on transcript NM_000179.3 (MANE Select); coding-DNA position 362, one base deleted (G; older notation c.362delG).
Protein change: p.Arg121fs; shifts the reading frame from arginine 121.
Molecular consequence: frameshift variant. On other transcripts: 5 prime UTR variant (7), non-coding transcript variant (5), intron variant (6).
Genome position (GRCh38, 1-based): chr2:47,791,028, G deleted. VCF-style (leftmost placement, unchanged base first): chr2-47791027-CG-C. GRCh37 (hg19) VCF-style: chr2-48018166-CG-C.
Other names: c.-375del (NM_001281493.2, NM_001406811.1, NM_001406823.1 and 1 more transcripts); c.-541del (NM_001281494.2); c.458del, p.Arg153fs (NM_001406795.1, NM_001406802.1); c.362del, p.Arg121fs (NM_001406796.1, NM_001406798.1, NM_001406800.1 and 6 more transcripts); c.65del, p.Arg22fs (NM_001406797.1, NM_001406801.1, NM_001406805.1 and 10 more transcripts); c.284del, p.Arg95fs (NM_001406804.1); c.-567del (NM_001406807.1); c.-633del (NM_001406814.1); and 6 more; short protein forms R121fs, R153fs, R22fs, R65fs, R95fs.
Identifiers: ClinVar variation 2673761 (VCV002673761.1), dbSNP rs2530436136, ClinGen allele CA2695200723.

ClinVar aggregate classification (germline): Pathogenic (1 of 4 stars; one submission).

Conditions:
Lynch syndrome 5 (LYNCH5). Also called: Colorectal cancer, hereditary nonpolyposis, type 5; Hereditary non-polyposis colorectal cancer, type 5. Identifiers: Orphanet 144, MedGen C1833477, MONDO:0013710, OMIM 614350. Disease mechanism: loss of function.

Submission:

Myriad Genetics, Inc.
Classification: Pathogenic for Lynch syndrome 5. Last evaluated: 2023-08-10. Review status: criteria provided, single submitter. Criteria: Myriad Autosomal Dominant, Autosomal Recessive and X-Linked Classification Criteria (2023). Collection method: clinical testing. Allele origin: unknown.
Comment: This variant is considered pathogenic. This variant creates a frameshift predicted to result in premature protein truncation.